The following is an entry in ClinVar:

ClinVar aggregate classification (germline): Uncertain significance (1 of 4 stars; one submission).

Conditions:
Agammaglobulinemia 2, autosomal recessive (AGM2). Also called: AGAMMAGLOBULINEMIA, AUTOSOMAL RECESSIVE, DUE TO IGLL1 DEFECT. Identifiers: MedGen C3150750, MONDO:0013287, OMIM 613500.

Submission:

Labcorp Genetics (formerly Invitae), Labcorp
Classification: Uncertain significance for Agammaglobulinemia 2, autosomal recessive. Last evaluated: 2025-08-22. Review status: criteria provided, single submitter. Criteria: Invitae Variant Classification Sherloc (09022015). Collection method: clinical testing. Allele origin: germline.
Comment: This variant, c.513_515del, results in the deletion of 1 amino acid(s) of the IGLL1 protein (p.Asn171del), but otherwise preserves the integrity of the reading frame. This variant is present in population databases (rs753243509, gnomAD 0.006%). This variant has not been reported in the literature in individuals affected with IGLL1-related conditions. Experimental studies and prediction algorithms are not available or were not evaluated, and the functional significance of this variant is currently unknown. In summary, the available evidence is currently insufficient to determine the role of this variant in disease. Therefore, it has been classified as a Variant of Uncertain Significance.

NM_020070.4(IGLL1):c.507CAA[2] (p.Asn171del)

Gene: IGLL1 (immunoglobulin lambda like polypeptide 1; minus strand). Cytogenetic location: 22q11.23.
Variant type: Microsatellite.
Coding change: c.507CAA[2] on transcript NM_020070.4 (MANE Select); two copies in a row of the 3-base unit CAA starting at c.507; the reference has three copies in a row; one copy, 3 bases deleted.
Protein change: p.Asn171del; deletes asparagine 171.
Molecular consequence: inframe deletion. On other transcripts: 3 prime UTR variant (1).
Genome position (GRCh38, 1-based): chr22:23,573,393-23,573,395, TTG deleted on the plus strand (CAA on the coding strand, the reverse complement: IGLL1 is on the minus strand); deleting any 3 consecutive bases within chr22:23,573,393-23,573,401 gives the same sequence; the position shown is the placement nearest the transcript's 3' end. VCF-style (leftmost placement, unchanged base first): chr22-23573392-CTTG-C. GRCh37 (hg19) VCF-style: chr22-23915579-CTTG-C.
Other names: c.510CAA[2], p.Asn172del (NM_001369906.1); c.*136CAA[2] (NM_152855.3); short protein forms N171del, N172del.
Identifiers: ClinVar variation 2920457 (VCV002920457.3), dbSNP rs753243509, ClinGen allele CA10143245.
Genomic context (GRCh38, chr22:23,573,392, plus strand): 5'-GTAGCTTCTGCGGGACCTCCACTGCTCGGGCGTCAGGCTCAGGTAGCTGCTGGCCGCGTA[CTTG>C]TTGTTGCTCTGTTTGGAGGGCGTGGTCATCTCCACGCCCTGGGTGATGGGGGTACCATCT-3'